The following is an entry in ClinVar:

NM_000540.3(RYR1):c.9473-15C>G

Gene: RYR1 (ryanodine receptor 1; plus strand). Cytogenetic location: 19q13.2.
Variant type: single nucleotide variant.
Coding change: c.9473-15C>G on transcript NM_000540.3 (MANE Select); 15 bases into the intron before coding-DNA position 9473, C replaced by G.
Molecular consequence: intron variant.
Genome position (GRCh38, 1-based): chr19:38,515,011, C>G. VCF-style: chr19-38515011-C-G. GRCh37 (hg19) VCF-style: chr19-39005651-C-G.
Other names: c.9473-15C>G (NM_001042723.2).
Identifiers: ClinVar variation 2032175 (VCV002032175.6), dbSNP rs777717266, ClinGen allele CA308126699.

ClinVar aggregate classification (germline): Likely benign. Review status: criteria provided, multiple submitters, no conflicts (2 of 4 stars). 3 submissions from 3 submitters: Likely benign (3). Last evaluated 2026-01-19.

Conditions:
Malignant hyperthermia, susceptibility to, 1 (MHS1). Also called: RYR1-Related Malignant Hyperthermia Susceptibility; Anesthesia related hyperthermia; Malignant hyperpyrexia; Fulminating hyperpyrexia; Pharmacogenic myopathy; Malignant hyperthermia suceptibility 1. Identifiers: Orphanet 423, MedGen C2930980, MONDO:0007783, OMIM 145600.
RYR1-related disorder. Also called: RYR1-related condition; RYR1-related disorders. Identifiers: MedGen CN239331.

Allele frequency attached by ClinVar (database versions not stated): TOPMed 0.00002; gnomAD exomes 0.00006.
gnomAD v4.1: 86 of 1,606,896 alleles (0.0054%); highest among the groups gnomAD compares: Non-Finnish European, 0.0071%; no homozygotes.

Submissions (3):

Labcorp Genetics (formerly Invitae), Labcorp
Classification: Likely benign for RYR1-related disorder. Last evaluated: 2026-01-19. Review status: criteria provided, single submitter. Criteria: Invitae Variant Classification Sherloc (09022015). Collection method: clinical testing. Allele origin: germline.

Color Diagnostics, LLC DBA Color Health
Classification: Likely benign for Malignant hyperthermia, susceptibility to, 1. Last evaluated: 2024-02-02. Review status: criteria provided, single submitter. Criteria: ACMG Guidelines, 2015. Collection method: clinical testing. Allele origin: germline.

All of Us Research Program, National Institutes of Health
Classification: Likely benign for Malignant hyperthermia, susceptibility to, 1. Last evaluated: 2024-01-11. Review status: criteria provided, single submitter. Criteria: ACMG Guidelines, 2015. Collection method: clinical testing. Allele origin: germline. Inheritance: Autosomal dominant inheritance. Observed: 8 variant alleles, 8 heterozygotes.
Comment: This variant causes a C to G nucleotide substitution at the -15 position of intron 63 of the RYR1 gene. To our knowledge, functional studies have not been reported for this variant. This variant has not been reported in individuals affected with RYR1-related disorders in the literature. This variant has been identified in 2/250108 chromosomes in the general population by the Genome Aggregation Database (gnomAD). The available evidence is insufficient to determine the role of this variant in disease conclusively. Therefore, this variant is classified as a Variant of Uncertain Significance.

This study involves interpretation of variants in research participants for the purpose of population health screening. Participant phenotype was not available at the time of variant classification. Additional details can be found in publication PMID: 35346344, PMCID: PMC8962531